The following is an entry in ClinVar:

ClinVar aggregate classification (germline): Uncertain significance (1 of 4 stars; one submission).

Conditions:
Hereditary cancer-predisposing syndrome. Also called: Neoplastic Syndromes, Hereditary; Tumor predisposition; Hereditary Cancer Syndrome; Hereditary neoplastic syndrome. Identifiers: Orphanet 140162, MedGen C0027672, MeSH D009386, MONDO:0015356.

Submission:

Ambry Genetics
Classification: Uncertain significance for Hereditary cancer-predisposing syndrome. Last evaluated: 2026-03-12. Review status: criteria provided, single submitter. Criteria: Ambry Variant Classification Scheme 2023. Collection method: clinical testing. Allele origin: germline.
Comment: The p.G416A variant (also known as c.1247G>C), located in coding exon 5 of the AXIN2 gene, results from a G to C substitution at nucleotide position 1247. The glycine at codon 416 is replaced by alanine, an amino acid with similar properties. This amino acid position is conserved. In addition, this alteration is predicted to be tolerated by in silico analysis. Based on the available evidence, the clinical significance of this variant remains unclear.

NM_004655.4(AXIN2):c.1247G>C (p.Gly416Ala)

Gene: AXIN2 (axin 2; minus strand). Cytogenetic location: 17q24.1.
Variant type: single nucleotide variant.
Coding change: c.1247G>C on transcript NM_004655.4 (MANE Select); coding-DNA position 1247, G replaced by C.
Protein change: p.Gly416Ala; replaces glycine 416 with alanine.
Molecular consequence: missense variant.
Genome position (GRCh38, 1-based): chr17:65,537,789, C>G on the plus strand (G>C on the coding strand, the complement: AXIN2 is on the minus strand). VCF-style: chr17-65537789-C-G. GRCh37 (hg19) VCF-style: chr17-63533907-C-G.
Other names: c.1247G>C, p.Gly416Ala (NM_001363813.1); short protein forms G416A.
Identifiers: ClinVar variation 4826949 (VCV004826949.1).
Genomic context (GRCh38, chr17:65,537,789, plus strand): 5'-TGCGGGTCTTCCTCGTAGCTGCCGGAGGGCAGTAGGGAGAGGGGGTGCTGCGTGGGCGCC[C>G]CCTCCCGCGAATTGAGTGTGAGCTCGGAGCCCTCTCTCTCTTCATCCTGAAAGGGAAGAC-3'
Protein context (NP_004646.3, residues 406-426): GSELTLNSRE[Gly416Ala]APTQHPLSLL